The following is an entry in ClinVar:

NM_013339.4(ALG6):c.947T>G (p.Leu316Ter)

Gene: ALG6 (ALG6 alpha-1,3-glucosyltransferase; plus strand). Cytogenetic location: 1p31.3.
Variant type: single nucleotide variant.
Coding change: c.947T>G on transcript NM_013339.4 (MANE Select); coding-DNA position 947, T replaced by G.
Protein change: p.Leu316Ter; replaces leucine 316 with a stop codon.
Molecular consequence: nonsense.
Genome position (GRCh38, 1-based): chr1:63,415,917, T>G. VCF-style: chr1-63415917-T-G. GRCh37 (hg19) VCF-style: chr1-63881588-T-G.
Other names: short protein forms L316*.
Identifiers: ClinVar variation 1724422 (VCV001724422.2), dbSNP rs1644543906, ClinGen allele CA340637616.

ClinVar aggregate classification (germline): Likely pathogenic (1 of 4 stars; one submission).

Conditions:
ALG6-congenital disorder of glycosylation 1C (CDG1C). Also called: Congenital disorder of glycosylation, type Ic; Congenital disorder of glycosylation type 1C; CDG Ic; CARBOHYDRATE-DEFICIENT GLYCOPROTEIN SYNDROME, TYPE I, WITH DEFICIENT GLYCOSYLATION OF DOLICHOL-LINKED OLIGOSACCHARIDE; CARBOHYDRATE-DEFICIENT GLYCOPROTEIN SYNDROME, TYPE V. Identifiers: Orphanet 79320, MedGen C2930997, MONDO:0011291, OMIM 603147.

Submission:

Myriad Genetics, Inc.
Classification: Likely pathogenic for ALG6-congenital disorder of glycosylation 1C. Last evaluated: 2022-02-15. Review status: criteria provided, single submitter. Criteria: Myriad Women's Health Autosomal Recessive and X-Linked Classification Criteria (2021). Collection method: clinical testing. Allele origin: unknown.
Comment: NM_013339.3(ALG6):c.947T>G(L316*) is expected to be pathogenic in the context of congenital disorder of glycosylation type Ic. This variant is predicted to lead to an abnormal or absent protein product due to the creation of a premature termination codon in ALG6, a gene where loss-of-function variants are known to be pathogenic. Please note: this variant was assessed in the context of healthy population screening.